The following is an entry in ClinVar:

NM_020433.5(JPH2):c.625_645del (p.Glu209_Pro215del)

Gene: JPH2 (junctophilin 2; minus strand). Cytogenetic location: 20q13.12.
Variant type: Deletion.
Coding change: c.625_645del on transcript NM_020433.5 (MANE Select); coding-DNA positions 625 to 645, 21 bases deleted (GAGGCGGCCGCGCGGGCGCCC).
Protein change: p.Glu209_Pro215del.
Molecular consequence: inframe indel (on NM_020433.4).
Genome position (GRCh38, 1-based): chr20:44,160,142-44,160,162, GGGCGCCCGCGCGGCCGCCTC deleted on the plus strand (GAGGCGGCCGCGCGGGCGCCC on the coding strand, the reverse complement: JPH2 is on the minus strand); deleting any 21 consecutive bases within chr20:44,160,142-44,160,164 gives the same sequence; the c. name uses the placement nearest the transcript's 3' end. VCF-style (leftmost placement, unchanged base first): chr20-44160141-TGGGCGCCCGCGCGGCCGCCTC-T. GRCh37 (hg19) VCF-style: chr20-42788781-TGGGCGCCCGCGCGGCCGCCTC-T.
Other names: c.625_645del21 (NM_020433.4).
Identifiers: ClinVar variation 3531511 (VCV003531511.1).

ClinVar aggregate classification (germline): Uncertain significance (1 of 4 stars; one submission).

Conditions:
Cardiovascular phenotype. Identifiers: MedGen CN230736.

Submission:

Ambry Genetics
Classification: Uncertain significance for Cardiovascular phenotype. Last evaluated: 2024-11-27. Review status: criteria provided, single submitter. Criteria: Ambry Variant Classification Scheme 2023. Collection method: clinical testing. Allele origin: germline.
Comment: The c.625_645del21 variant (also known as p.E209_P215del), located in coding exon 2 of the JPH2 gene, results from an in-frame GAGGCGGCCGCGCGGGCGCCC deletion at nucleotide positions 625 to 645. This results in the in-frame deletion 7 amino acids at codons 209 to 215. This amino acid region is not well conserved in available vertebrate species. In addition, this alteration is predicted to be deleterious by in silico analysis (Choi Y et al. PLoS ONE. 2012; 7(10):e46688). Based on the available evidence, the clinical significance of this variant remains unclear.